The following is an entry in ClinVar:

ClinVar aggregate classification (germline): Uncertain significance. Review status: criteria provided, multiple submitters, no conflicts (2 of 4 stars). 3 submissions from 3 submitters: Uncertain significance (3). Last evaluated 2025-08-14.

Allele frequency attached by ClinVar (database versions not stated): ExAC 0.00002; gnomAD 0.00002 and 0.00003; TOPMed 0.00003; gnomAD exomes 0.00004 and 0.00008.
gnomAD v4.1: 115 of 1,613,796 alleles (0.0071%); highest among the groups gnomAD compares: Middle Eastern, 0.016%; no homozygotes.

Submissions (3):

Ambry Genetics
Classification: Uncertain significance. Last evaluated: 2025-08-14. Review status: criteria provided, single submitter. Criteria: Ambry Variant Classification Scheme 2023. Collection method: clinical testing. Allele origin: germline.

Athena Diagnostics
Classification: Uncertain significance. Last evaluated: 2023-06-20. Review status: criteria provided, single submitter. Criteria: Athena Diagnostics Criteria. Collection method: clinical testing. Allele origin: unknown.
Comment: Available data are insufficient to determine the clinical significance of the variant at this time. The frequency of this variant in the general population is higher than would generally be expected for pathogenic variants in this gene. Computational tools predict that this variant is not damaging.

CeGaT Center for Human Genetics Tuebingen
Classification: Uncertain significance. Last evaluated: 2019-04-01. Review status: criteria provided, single submitter. Criteria: CeGaT Center For Human Genetics Tuebingen Variant Classification Criteria Version 2. Collection method: clinical testing. Allele origin: germline. Affected: yes. Observed: 1 variant allele.

NM_001961.4(EEF2):c.1702A>G (p.Ile568Val)

Gene: EEF2 (eukaryotic translation elongation factor 2; minus strand). Cytogenetic location: 19p13.3.
Variant type: single nucleotide variant.
Coding change: c.1702A>G on transcript NM_001961.4 (MANE Select); coding-DNA position 1702, A replaced by G.
Protein change: p.Ile568Val; replaces isoleucine 568 with valine.
Molecular consequence: missense variant.
Genome position (GRCh38, 1-based): chr19:3,979,340, T>C on the plus strand (A>G on the coding strand, the complement: EEF2 is on the minus strand). VCF-style: chr19-3979340-T-C. GRCh37 (hg19) VCF-style: chr19-3979338-T-C.
Other names: c.1702A>G (NM_001961.3); short protein forms I568V.
Identifiers: ClinVar variation 808422 (VCV000808422.44), dbSNP rs773849734, ClinGen allele CA9088797.